The following is an entry in ClinVar:

ClinVar aggregate classification (germline): Uncertain significance (1 of 4 stars; one submission).

Allele frequency attached by ClinVar (database versions not stated): gnomAD exomes below 0.00001.
gnomAD v4.1: 1 of 1,614,234 alleles (0.000062%); highest among the groups gnomAD compares: Non-Finnish European, 0.000085%; no homozygotes.

Submission:

Labcorp Genetics (formerly Invitae), Labcorp
Classification: Uncertain significance. Last evaluated: 2022-08-15. Review status: criteria provided, single submitter. Criteria: Invitae Variant Classification Sherloc (09022015). Collection method: clinical testing. Allele origin: germline.
Comment: This sequence change replaces alanine, which is neutral and non-polar, with valine, which is neutral and non-polar, at codon 14 of the MYH3 protein (p.Ala14Val). Algorithms developed to predict the effect of missense changes on protein structure and function (SIFT, PolyPhen-2, Align-GVGD) all suggest that this variant is likely to be disruptive. This variant is not present in population databases (gnomAD no frequency). This variant has not been reported in the literature in individuals affected with MYH3-related conditions. In summary, the available evidence is currently insufficient to determine the role of this variant in disease. Therefore, it has been classified as a Variant of Uncertain Significance.

NM_002470.4(MYH3):c.41C>T (p.Ala14Val)

Gene: MYH3 (myosin heavy chain 3; minus strand). Cytogenetic location: 17p13.1.
Variant type: single nucleotide variant.
Coding change: c.41C>T on transcript NM_002470.4 (MANE Select); coding-DNA position 41, C replaced by T.
Protein change: p.Ala14Val; replaces alanine 14 with valine.
Molecular consequence: missense variant.
Genome position (GRCh38, 1-based): chr17:10,655,024, G>A on the plus strand (C>T on the coding strand, the complement: MYH3 is on the minus strand). VCF-style: chr17-10655024-G-A. GRCh37 (hg19) VCF-style: chr17-10558341-G-A.
Other names: short protein forms A14V.
Identifiers: ClinVar variation 2090540 (VCV002090540.4), dbSNP rs2508655484, ClinGen allele CA398119369.